The following is an entry in ClinVar:

ClinVar aggregate classification (germline): Uncertain significance. Review status: criteria provided, multiple submitters, no conflicts (2 of 4 stars). 2 submissions from 2 submitters: Uncertain significance (2). Last evaluated 2025-11-17.

Conditions:
Thrombocytopenia 1. Also called: THROMBOCYTOPENIA, X-LINKED, 1; X-linked thrombocytopenia with normal platelets; X-Linked Thrombocytopenia (XLT). Identifiers: Orphanet 268322, Orphanet 852, MedGen C1839163, MONDO:0010743, OMIM 313900.
Wiskott-Aldrich syndrome (WAS). Also called: ALDRICH SYNDROME; IMMUNODEFICIENCY 2; WISKOTT-ALDRICH SYNDROME 1; Wiskott-aldrich syndrome, somatic. Identifiers: Orphanet 906, MedGen C0043194, MONDO:0010518, OMIM 301000.
X-linked severe congenital neutropenia (SCNX). Identifiers: Orphanet 86788, MedGen C1845987, MONDO:0010294, OMIM 300299.

Allele frequency attached by ClinVar (database versions not stated): TOPMed below 0.00001; ExAC 0.00001; gnomAD 0.00001; gnomAD exomes 0.00001.
gnomAD v4.1: 12 of 1,195,044 alleles (0.001%); highest among the groups gnomAD compares: Non-Finnish European, 0.0014%; no homozygotes.

Submissions (2):

Labcorp Genetics (formerly Invitae), Labcorp
Classification: Uncertain significance for Wiskott-Aldrich syndrome; X-linked severe congenital neutropenia; Thrombocytopenia 1. Last evaluated: 2025-11-17. Review status: criteria provided, single submitter. Criteria: Invitae Variant Classification Sherloc (09022015). Collection method: clinical testing. Allele origin: germline.
Comment: This sequence change replaces arginine, which is basic and polar, with glutamine, which is neutral and polar, at codon 321 of the WAS protein (p.Arg321Gln). The frequency data for this variant in the population databases is considered unreliable, as metrics indicate poor data quality at this position in the gnomAD database. This variant has not been reported in the literature in individuals affected with WAS-related conditions. ClinVar contains an entry for this variant (Variation ID: 1047669). Invitae Evidence Modeling of protein sequence and biophysical properties (such as structural, functional, and spatial information, amino acid conservation, physicochemical variation, residue mobility, and thermodynamic stability) indicates that this missense variant is not expected to disrupt WAS protein function with a negative predictive value of 95%. In summary, the available evidence is currently insufficient to determine the role of this variant in disease. Therefore, it has been classified as a Variant of Uncertain Significance.

Fulgent Genetics
Classification: Uncertain significance for X-linked severe congenital neutropenia; Wiskott-Aldrich syndrome; Thrombocytopenia 1. Last evaluated: 2021-12-29. Review status: criteria provided, single submitter. Criteria: ACMG Guidelines, 2015. Collection method: clinical testing. Allele origin: unknown.

NM_000377.3(WAS):c.962G>A (p.Arg321Gln)

Gene: WAS (WASP actin nucleation promoting factor; plus strand). Cytogenetic location: Xp11.23.
Variant type: single nucleotide variant.
Coding change: c.962G>A on transcript NM_000377.3 (MANE Select); coding-DNA position 962, G replaced by A.
Protein change: p.Arg321Gln; replaces arginine 321 with glutamine.
Molecular consequence: missense variant.
Genome position (GRCh38, 1-based): chrX:48,688,690, G>A. VCF-style: chrX-48688690-G-A. GRCh37 (hg19) VCF-style: chrX-48547079-G-A.
Other names: short protein forms R321Q.
Identifiers: ClinVar variation 1047669 (VCV001047669.6), dbSNP rs782802310, ClinGen allele CA10404022.